The following is an entry in ClinVar:

ClinVar aggregate classification (germline): Uncertain significance. Review status: criteria provided, multiple submitters, no conflicts (2 of 4 stars). 2 submissions from 2 submitters: Uncertain significance (2). Last evaluated 2024-08-12.

Conditions:
Myoclonic dystonia 11 (DYT11). Also called: Myoclonic dystonia; Dystonia 11; Dystonia, alcohol responsive; Hereditary essential myoclonus; SGCE Myoclonus-Dystonia; Myoclonus-Dystonia. Identifiers: Orphanet 36899, MedGen C1834570, MONDO:0008044, OMIM 159900.

gnomAD v4.1: 4 of 1,610,896 alleles (0.00025%); highest among the groups gnomAD compares: Admixed American, 0.0067%; no homozygotes.

Submissions (2):

Labcorp Genetics (formerly Invitae), Labcorp
Classification: Uncertain significance for Myoclonic dystonia 11. Last evaluated: 2024-08-12. Review status: criteria provided, single submitter. Criteria: Invitae Variant Classification Sherloc (09022015). Collection method: clinical testing. Allele origin: germline.
Comment: This sequence change replaces proline, which is neutral and non-polar, with alanine, which is neutral and non-polar, at codon 75 of the SGCE protein (p.Pro75Ala). This variant is present in population databases (no rsID available, gnomAD 0.01%). This variant has not been reported in the literature in individuals affected with SGCE-related conditions. Advanced modeling of protein sequence and biophysical properties (such as structural, functional, and spatial information, amino acid conservation, physicochemical variation, residue mobility, and thermodynamic stability) performed at Invitae indicates that this missense variant is not expected to disrupt SGCE protein function with a negative predictive value of 80%. In summary, the available evidence is currently insufficient to determine the role of this variant in disease. Therefore, it has been classified as a Variant of Uncertain Significance.

Revvity Omics, Revvity
Classification: Uncertain significance for Myoclonic dystonia 11. Last evaluated: 2024-04-19. Review status: criteria provided, single submitter. Criteria: ACMG Guidelines, 2015. Collection method: clinical testing. Allele origin: germline.

NM_003919.3(SGCE):c.223C>G (p.Pro75Ala)

Genes: CASD1 (CAS1 domain sialic acid O acetyltransferase 1; plus strand), SGCE (sarcoglycan epsilon; minus strand). Cytogenetic location: 7q21.3.
Variant type: single nucleotide variant.
Coding change: c.223C>G on transcript NM_003919.3 (MANE Select); coding-DNA position 223, C replaced by G.
Protein change: p.Pro75Ala; replaces proline 75 with alanine.
Molecular consequence: missense variant. On other transcripts: intron variant (2), 5 prime UTR variant (2).
Genome position (GRCh38, 1-based): chr7:94,629,728, G>C on the plus strand (C>G on the coding strand, the complement: SGCE is on the minus strand). VCF-style: chr7-94629728-G-C. GRCh37 (hg19) VCF-style: chr7-94259040-G-C.
Other names: c.110-1369C>G (NM_001362809.2, NM_001301139.2); c.223C>G, p.Pro75Ala (NM_001099400.2, NM_001099401.2, NM_001346717.2); c.331C>G, p.Pro111Ala (NM_001346713.2, NM_001346715.2); c.136C>G, p.Pro46Ala (NM_001346719.2, NM_001362807.2); c.-51C>G (NM_001346720.2, NM_001362808.2); short protein forms P46A, P75A, P111A.
Identifiers: ClinVar variation 3712070 (VCV003712070.3).